The following is an entry in ClinVar:

NM_022773.4(LMF1):c.134A>T (p.His45Leu)

Genes: LMF1 (lipase maturation factor 1; minus strand), LOC130058141 (ATAC-STARR-seq lymphoblastoid silent region 6962; plus strand). Cytogenetic location: 16p13.3.
Variant type: single nucleotide variant.
Coding change: c.134A>T on transcript NM_022773.4 (MANE Select); coding-DNA position 134, A replaced by T.
Protein change: p.His45Leu; replaces histidine 45 with leucine.
Molecular consequence: missense variant. On other transcripts: 5 prime UTR variant (1), non-coding transcript variant (1), intron variant (3).
Genome position (GRCh38, 1-based): chr16:970,847, T>A on the plus strand (A>T on the coding strand, the complement: LMF1 is on the minus strand). VCF-style: chr16-970847-T-A. GRCh37 (hg19) VCF-style: chr16-1020847-T-A.
Other names: c.134A>T, p.His45Leu (NM_001352020.1); c.-572A>T (NM_001352021.2); c.-135+10298A>T (NM_001352019.2); c.-611+10298A>T (NM_001352017.2); c.-362+10298A>T (NM_001352018.2); short protein forms H45L.
Identifiers: ClinVar variation 2566296 (VCV002566296.2), dbSNP rs2548411907, ClinGen allele CA394111077.

ClinVar aggregate classification (germline): Uncertain significance (1 of 4 stars; one submission).

Conditions:
Cardiovascular phenotype. Identifiers: MedGen CN230736.

Submission:

Ambry Genetics
Classification: Uncertain significance for Cardiovascular phenotype. Last evaluated: 2023-05-30. Review status: criteria provided, single submitter. Criteria: Ambry Variant Classification Scheme 2023. Collection method: clinical testing. Allele origin: germline.
Comment: The p.H45L variant (also known as c.134A>T), located in coding exon 1 of the LMF1 gene, results from an A to T substitution at nucleotide position 134. The histidine at codon 45 is replaced by leucine, an amino acid with similar properties. This amino acid position is conserved. In addition, this alteration is predicted to be tolerated by in silico analysis. Since supporting evidence is limited at this time, the clinical significance of this alteration remains unclear.